The following is an entry in ClinVar:

NM_001278512.2(AP3B2):c.1378+5G>A

Genes: AP3B2 (adaptor related protein complex 3 subunit beta 2; minus strand), CPEB1-AS1 (CPEB1 antisense RNA 1; plus strand). Cytogenetic location: 15q25.2.
Variant type: single nucleotide variant.
Coding change: c.1378+5G>A on transcript NM_001278512.2 (MANE Select); 5 bases into the intron after coding-DNA position 1378, G replaced by A.
Molecular consequence: intron variant.
Genome position (GRCh38, 1-based): chr15:82,677,666, C>T on the plus strand (G>A on the coding strand, the complement: AP3B2 is on the minus strand). VCF-style: chr15-82677666-C-T. GRCh37 (hg19) VCF-style: chr15-83346418-C-T.
Other names: c.1282+5G>A (NM_001278511.2); c.1378+5G>A (NM_004644.5).
Identifiers: ClinVar variation 1368787 (VCV001368787.6), dbSNP rs980382564, ClinGen allele CA2573151194.

ClinVar aggregate classification (germline): Uncertain significance (1 of 4 stars; one submission).

Submission:

Labcorp Genetics (formerly Invitae), Labcorp
Classification: Uncertain significance. Last evaluated: 2021-02-01. Review status: criteria provided, single submitter. Criteria: Invitae Variant Classification Sherloc (09022015). Collection method: clinical testing. Allele origin: germline.
Comment: In summary, the available evidence is currently insufficient to determine the role of this variant in disease. Therefore, it has been classified as a Variant of Uncertain Significance. Nucleotide substitutions within the consensus splice site are a relatively common cause of aberrant splicing (PMID: 17576681, 9536098). Algorithms developed to predict the effect of sequence changes on RNA splicing suggest that this variant may disrupt the consensus splice site, but this prediction has not been confirmed by published transcriptional studies. This variant has not been reported in the literature in individuals with AP3B2-related conditions. This variant is not present in population databases (ExAC no frequency). This sequence change falls in intron 12 of the AP3B2 gene. It does not directly change the encoded amino acid sequence of the AP3B2 protein. It affects a nucleotide within the consensus splice site of the intron.

Literature cited by the submitters: PubMed 17576681; PubMed 9536098.